The following is an entry in ClinVar:

ClinVar aggregate classification (germline): Uncertain significance (1 of 4 stars; one submission).

Conditions:
Familial thoracic aortic aneurysm and aortic dissection (TAAD). Also called: Thoracic aortic aneurysms and dissections. Identifiers: Orphanet 91387, MedGen C4707243, MONDO:0019625.

Submission:

Ambry Genetics
Classification: Uncertain significance for Familial thoracic aortic aneurysm and aortic dissection. Last evaluated: 2026-01-17. Review status: criteria provided, single submitter. Criteria: Ambry Variant Classification Scheme 2023. Collection method: clinical testing. Allele origin: germline.
Comment: The p.E406K variant (also known as c.1216G>A), located in coding exon 7 of the MYLK gene, results from a G to A substitution at nucleotide position 1216. The glutamic acid at codon 406 is replaced by lysine, an amino acid with similar properties. This amino acid position is conserved. In addition, this alteration is predicted to be tolerated by in silico analysis. Based on the available evidence, the clinical significance of this variant remains unclear.

NM_053025.4(MYLK):c.1216G>A (p.Glu406Lys)

Gene: MYLK (myosin light chain kinase; minus strand). Cytogenetic location: 3q21.1.
Variant type: single nucleotide variant.
Coding change: c.1216G>A on transcript NM_053025.4 (MANE Select); coding-DNA position 1216, G replaced by A.
Protein change: p.Glu406Lys; replaces glutamic acid 406 with lysine.
Molecular consequence: missense variant.
Genome position (GRCh38, 1-based): chr3:123,733,780, C>T on the plus strand (G>A on the coding strand, the complement: MYLK is on the minus strand). VCF-style: chr3-123733780-C-T. GRCh37 (hg19) VCF-style: chr3-123452627-C-T.
Other names: c.688G>A, p.Glu230Lys (NM_001321309.2); c.1216G>A, p.Glu406Lys (NM_053026.4, NM_053027.4, NM_053028.4); short protein forms E406K, E230K.
Identifiers: ClinVar variation 4825142 (VCV004825142.1).
Genomic context (GRCh38, chr3:123,733,780, plus strand): 5'-TGACCTCCTGGCTTTGGGGCTTGCTCTCAAATTTGGGGAATGCTGAATCCCTCTGGCCCT[C>T]CATGGGGATTCTCCTGTTAGCAGCCTTGCTCACAACATCTTGGCTCCCCAGGCCAGGCTG-3'
Protein context (NP_444253.3, residues 396-416): SKAANRRIPM[Glu406Lys]GQRDSAFPKF